The following is an entry in ClinVar:

NM_005149.3(TBX19):c.520G>T (p.Val174Phe)

Gene: TBX19 (T-box transcription factor 19; plus strand). Cytogenetic location: 1q24.2.
Variant type: single nucleotide variant.
Coding change: c.520G>T on transcript NM_005149.3 (MANE Select); coding-DNA position 520, G replaced by T.
Protein change: p.Val174Phe; replaces valine 174 with phenylalanine.
Molecular consequence: missense variant.
Genome position (GRCh38, 1-based): chr1:168,293,195, G>T. VCF-style: chr1-168293195-G-T. GRCh37 (hg19) VCF-style: chr1-168262433-G-T.
Other names: short protein forms V174F.
Identifiers: ClinVar variation 2144752 (VCV002144752.4), dbSNP rs1205523992, ClinGen allele CA343106948.

ClinVar aggregate classification (germline): Uncertain significance (1 of 4 stars; one submission).

gnomAD v4.1: 1 of 1,613,888 alleles (0.000062%); highest among the groups gnomAD compares: Admixed American, 0.0017%; no homozygotes.

Submission:

Labcorp Genetics (formerly Invitae), Labcorp
Classification: Uncertain significance. Last evaluated: 2022-05-24. Review status: criteria provided, single submitter. Criteria: Invitae Variant Classification Sherloc (09022015). Collection method: clinical testing. Allele origin: germline.
Comment: In summary, the available evidence is currently insufficient to determine the role of this variant in disease. Therefore, it has been classified as a Variant of Uncertain Significance. Algorithms developed to predict the effect of missense changes on protein structure and function (SIFT, PolyPhen-2, Align-GVGD) all suggest that this variant is likely to be disruptive. This variant has not been reported in the literature in individuals affected with TBX19-related conditions. This variant is not present in population databases (gnomAD no frequency). This sequence change replaces valine, which is neutral and non-polar, with phenylalanine, which is neutral and non-polar, at codon 174 of the TBX19 protein (p.Val174Phe).